The following is an entry in ClinVar:

ClinVar aggregate classification (germline): Conflicting classifications of pathogenicity. Review status: criteria provided, conflicting classifications (1 of 4 stars). 4 submissions from 4 submitters: Uncertain significance (3); Likely benign (1). Last evaluated 2025-07-31.

Conditions:
Renal cell carcinoma. Identifiers: Orphanet 217071, MedGen C0007134, MeSH D002292, MONDO:0005086, HP:0005584.
Hereditary cancer-predisposing syndrome. Also called: Neoplastic Syndromes, Hereditary; Hereditary Cancer Syndrome; Tumor predisposition; Hereditary neoplastic syndrome. Identifiers: Orphanet 140162, MedGen C0027672, MeSH D009386, MONDO:0015356.
Hereditary papillary renal cell carcinoma. Identifiers: Orphanet 47044, MedGen C0879257, MONDO:0003789.

Allele frequency attached by ClinVar (database versions not stated): ExAC 0.00001; gnomAD 0.00001; gnomAD exomes 0.00001; TOPMed 0.00002.
gnomAD v4.1: 11 of 1,613,824 alleles (0.00068%); highest among the groups gnomAD compares: African/African-American, 0.0013%; no homozygotes.

Submissions (4):

Labcorp Genetics (formerly Invitae), Labcorp
Classification: Uncertain significance for Renal cell carcinoma. Last evaluated: 2025-07-31. Review status: criteria provided, single submitter. Criteria: Invitae Variant Classification Sherloc (09022015). Collection method: clinical testing. Allele origin: germline.
Comment: This sequence change replaces methionine, which is neutral and non-polar, with valine, which is neutral and non-polar, at codon 870 of the MET protein (p.Met870Val). This variant is present in population databases (rs762863861, gnomAD 0.002%). This variant has not been reported in the literature in individuals affected with MET-related conditions. ClinVar contains an entry for this variant (Variation ID: 582091). An algorithm developed to predict the effect of missense changes on protein structure and function outputs the following: PolyPhen-2: "Benign". The valine amino acid residue is found in multiple mammalian species, which suggests that this missense change does not adversely affect protein function. In summary, the available evidence is currently insufficient to determine the role of this variant in disease. Therefore, it has been classified as a Variant of Uncertain Significance.

Ambry Genetics
Classification: Likely benign for Hereditary cancer-predisposing syndrome. Last evaluated: 2024-09-10. Review status: criteria provided, single submitter. Criteria: Ambry Variant Classification Scheme 2023. Collection method: clinical testing. Allele origin: germline.

Molecular Pathology, Peter Maccallum Cancer Centre
Classification: Uncertain significance for Hereditary papillary renal cell carcinoma. Last evaluated: 2024-05-30. Review status: criteria provided, single submitter. Criteria: ACMG Guidelines, 2015. Collection method: clinical testing. Allele origin: germline. Inheritance: Autosomal dominant inheritance.

GeneDx
Classification: Uncertain significance. Last evaluated: 2023-12-22. Review status: criteria provided, single submitter. Criteria: GeneDx Variant Classification Process June 2021. Collection method: clinical testing. Allele origin: germline. Affected: yes.
Comment: Not observed at significant frequency in large population cohorts (gnomAD); In silico analysis supports that this missense variant does not alter protein structure/function; Has not been previously published as pathogenic or benign to our knowledge; This variant is associated with the following publications: (PMID: 25980754, 28135145)

NM_000245.4(MET):c.2554A>G (p.Met852Val)

Gene: MET (MET proto-oncogene, receptor tyrosine kinase; plus strand). Cytogenetic location: 7q31.2.
Variant type: single nucleotide variant.
Coding change: c.2554A>G on transcript NM_000245.4 (MANE Select); coding-DNA position 2554, A replaced by G.
Protein change: p.Met852Val; replaces methionine 852 with valine.
Molecular consequence: missense variant.
Genome position (GRCh38, 1-based): chr7:116,763,239, A>G. VCF-style: chr7-116763239-A-G. GRCh37 (hg19) VCF-style: chr7-116403293-A-G.
Other names: c.2554A>G (NM_000245.2); c.2608A>G, p.Met870Val (NM_001127500.3); c.2554A>G, p.Met852Val (NM_001324401.3); c.1264A>G, p.Met422Val (NM_001324402.2); short protein forms M870V, M422V, M852V.
Identifiers: ClinVar variation 582091 (VCV000582091.19), dbSNP rs762863861, ClinGen allele CA4448502.